The following is an entry in ClinVar:

NM_000492.4(CFTR):c.4249G>C (p.Glu1417Gln)

Genes: CFTR (CF transmembrane conductance regulator; plus strand), LOC111674477 (CFTR intron 23 enhancer; plus strand). Cytogenetic location: 7q31.2.
Variant type: single nucleotide variant.
Coding change: c.4249G>C on transcript NM_000492.4 (MANE Select); coding-DNA position 4249, G replaced by C.
Protein change: p.Glu1417Gln; replaces glutamic acid 1417 with glutamine.
Molecular consequence: missense variant.
Genome position (GRCh38, 1-based): chr7:117,666,914, G>C. VCF-style: chr7-117666914-G-C. GRCh37 (hg19) VCF-style: chr7-117306968-G-C.
Other names: short protein forms E1417Q.
Identifiers: ClinVar variation 3266654 (VCV003266654.1).
Genomic context (GRCh38, chr7:117,666,914, plus strand): 5'-GCTCTGGTCTGACCTGCCTTCTGTCCCAGATCTCACTAACAGCCATTTCCCTAGGTCATA[G>C]AAGAGAACAAAGTGCGGCAGTACGATTCCATCCAGAAACTGCTGAACGAGAGGAGCCTCT-3'
Protein context (NP_000483.3, residues 1407-1427): MLECQQFLVI[Glu1417Gln]ENKVRQYDSI

ClinVar aggregate classification (germline): Uncertain significance (1 of 4 stars; one submission).

Conditions:
Cystic fibrosis (CF). Also called: MUCOVISCIDOSIS. Identifiers: Orphanet 586, MedGen C0010674, MONDO:0009061, OMIM 219700. Disease mechanism: loss of function.

Submission:

Ambry Genetics
Classification: Uncertain significance for Cystic fibrosis. Last evaluated: 2024-04-06. Review status: criteria provided, single submitter. Criteria: Ambry Variant Classification Scheme 2023. Collection method: clinical testing. Allele origin: germline.
Comment: The p.E1417Q variant (also known as c.4249G>C), located in coding exon 27 of the CFTR gene, results from a G to C substitution at nucleotide position 4249. The glutamic acid at codon 1417 is replaced by glutamine, an amino acid with highly similar properties. This amino acid position is conserved. In addition, the in silico prediction for this alteration is inconclusive. Based on the available evidence, the clinical significance of this variant remains unclear.